The following is an entry in ClinVar:

ClinVar aggregate classification (germline): Uncertain significance (1 of 4 stars; one submission).

Conditions:
Ataxia-telangiectasia syndrome (AT). Also called: LOUIS-BAR SYNDROME; Cerebello-oculocutaneous telangiectasia; Immunodeficiency with ataxia telangiectasia; Ataxia-telangiectasia, complementation group D; AT, COMPLEMENTATION GROUP C; ATAXIA-TELANGIECTASIA, COMPLEMENTATION GROUP A. Identifiers: Orphanet 100, MedGen C0004135, MONDO:0008840, OMIM 208900.

Submission:

Labcorp Genetics (formerly Invitae), Labcorp
Classification: Uncertain significance for Ataxia-telangiectasia syndrome. Last evaluated: 2025-11-28. Review status: criteria provided, single submitter. Criteria: Invitae Variant Classification Sherloc (09022015). Collection method: clinical testing. Allele origin: germline.
Comment: This sequence change replaces phenylalanine, which is neutral and non-polar, with leucine, which is neutral and non-polar, at codon 2827 of the ATM protein (p.Phe2827Leu). This variant is not present in population databases (gnomAD no frequency). This variant has not been reported in the literature in individuals affected with ATM-related conditions. Invitae Evidence Modeling of protein sequence and biophysical properties (such as structural, functional, and spatial information, amino acid conservation, physicochemical variation, residue mobility, and thermodynamic stability) has been performed for this missense variant. However, the output from this modeling did not meet the statistical confidence thresholds required to predict the impact of this variant on ATM protein function. This variant disrupts the p.Phe2827 amino acid residue in ATM. Other variant(s) that disrupt this residue have been determined to be pathogenic (PMID: 8755918, 9000145, 19431188, 25040471, 30549301). This suggests that this residue is clinically significant, and that variants that disrupt this residue are likely to be disease-causing. In summary, the available evidence is currently insufficient to determine the role of this variant in disease. Therefore, it has been classified as a Variant of Uncertain Significance.

Literature cited by the submitters: PubMed 8755918; PubMed 9000145; PubMed 19431188; PubMed 25040471; PubMed 30549301.

NM_000051.4(ATM):c.8479T>C (p.Phe2827Leu)

Genes: ATM (ATM serine/threonine kinase; plus strand), C11orf65 (chromosome 11 open reading frame 65; minus strand). Cytogenetic location: 11q22.3.
Variant type: single nucleotide variant.
Coding change: c.8479T>C on transcript NM_000051.4 (MANE Select); coding-DNA position 8479, T replaced by C.
Protein change: p.Phe2827Leu; replaces phenylalanine 2827 with leucine.
Molecular consequence: missense variant. On other transcripts: intron variant (2).
Genome position (GRCh38, 1-based): chr11:108,345,803, T>C. VCF-style: chr11-108345803-T-C. GRCh37 (hg19) VCF-style: chr11-108216530-T-C.
Other names: c.8479T>C, p.Phe2827Leu (NM_001351834.2); c.641-36732A>G (NM_001330368.2); c.695-10511A>G (NM_001351110.2); short protein forms F2827L.
Identifiers: ClinVar variation 4747271 (VCV004747271.1).